The following is an entry in ClinVar:

NM_004341.5(CAD):c.6367G>A (p.Gly2123Ser)

Genes: CAD (carbamoyl-phosphate synthetase 2, aspartate transcarbamylase, and dihydroorotase; plus strand), LOC126806172 (CDK7 strongly-dependent group 2 enhancer GRCh37_chr2:27465505-27466704; plus strand). Cytogenetic location: 2p23.3.
Variant type: single nucleotide variant.
Coding change: c.6367G>A on transcript NM_004341.5 (MANE Select); coding-DNA position 6367, G replaced by A.
Protein change: p.Gly2123Ser; replaces glycine 2123 with serine.
Molecular consequence: missense variant.
Genome position (GRCh38, 1-based): chr2:27,242,764, G>A. VCF-style: chr2-27242764-G-A. GRCh37 (hg19) VCF-style: chr2-27465632-G-A.
Other names: c.6178G>A, p.Gly2060Ser (NM_001306079.2); c.6367G>A (NM_004341.3); short protein forms G2060S, G2123S.
Identifiers: ClinVar variation 1677142 (VCV001677142.5), dbSNP rs367846045, ClinGen allele CA1574180.

ClinVar aggregate classification (germline): Uncertain significance. Review status: criteria provided, multiple submitters, no conflicts (2 of 4 stars). 3 submissions from 3 submitters: Uncertain significance (3). Last evaluated 2025-03-28.

Conditions:
Inborn genetic diseases. Identifiers: MedGen C0950123, MeSH D030342.

Allele frequency attached by ClinVar (database versions not stated): gnomAD exomes 0.00004 and 0.00011; gnomAD 0.00007 and 0.00005; ESP Exome Variant Server 0.00008; ExAC 0.00012; TOPMed 0.00005; 1000 Genomes Project 30x 0.00016; 1000 Genomes Project 0.00020.
gnomAD v4.1: 78 of 1,614,172 alleles (0.0048%); highest among the groups gnomAD compares: South Asian, 0.056%; 1 homozygote.

Submissions (3):

Ambry Genetics
Classification: Uncertain significance for Inborn genetic diseases. Last evaluated: 2025-03-28. Review status: criteria provided, single submitter. Criteria: Ambry Variant Classification Scheme 2023. Collection method: clinical testing. Allele origin: germline.

Women's Health and Genetics/Laboratory Corporation of America, LabCorp
Classification: Uncertain significance. Last evaluated: 2022-03-18. Review status: criteria provided, single submitter. Criteria: LabCorp Variant Classification Summary - May 2015. Collection method: clinical testing. Allele origin: germline.

Labcorp Genetics (formerly Invitae), Labcorp
Classification: Uncertain significance. Last evaluated: 2022-02-10. Review status: criteria provided, single submitter. Criteria: Invitae Variant Classification Sherloc (09022015). Collection method: clinical testing. Allele origin: germline.
Comment: This sequence change replaces glycine, which is neutral and non-polar, with serine, which is neutral and polar, at codon 2123 of the CAD protein (p.Gly2123Ser). This variant is present in population databases (rs367846045, gnomAD 0.06%), including at least one homozygous and/or hemizygous individual. This variant has not been reported in the literature in individuals affected with CAD-related conditions. Algorithms developed to predict the effect of missense changes on protein structure and function are either unavailable or do not agree on the potential impact of this missense change (SIFT: "Tolerated"; PolyPhen-2: "Possibly Damaging"; Align-GVGD: "Class C0"). Algorithms developed to predict the effect of sequence changes on RNA splicing suggest that this variant may create or strengthen a splice site. In summary, the available evidence is currently insufficient to determine the role of this variant in disease. Therefore, it has been classified as a Variant of Uncertain Significance.